The following is an entry in ClinVar:

ClinVar aggregate classification (germline): Uncertain significance (1 of 4 stars; one submission).

Conditions:
Inborn genetic diseases. Identifiers: MedGen C0950123, MeSH D030342.

Submission:

Ambry Genetics
Classification: Uncertain significance for Inborn genetic diseases. Last evaluated: 2021-10-14. Review status: criteria provided, single submitter. Criteria: Ambry Variant Classification Scheme 2023. Collection method: clinical testing. Allele origin: germline.
Comment: The p.G300R variant (also known as c.898G>C), located in coding exon 8 of the EPAS1 gene, results from a G to C substitution at nucleotide position 898. The glycine at codon 300 is replaced by arginine, an amino acid with dissimilar properties. This amino acid position is conserved. In addition, the in silico prediction for this alteration is inconclusive. Since supporting evidence is limited at this time, the clinical significance of this alteration remains unclear.

NM_001430.5(EPAS1):c.898G>C (p.Gly300Arg)

Gene: EPAS1 (endothelial PAS domain protein 1; plus strand). Cytogenetic location: 2p21.
Variant type: single nucleotide variant.
Coding change: c.898G>C on transcript NM_001430.5 (MANE Select); coding-DNA position 898, G replaced by C.
Protein change: p.Gly300Arg; replaces glycine 300 with arginine.
Molecular consequence: missense variant.
Genome position (GRCh38, 1-based): chr2:46,375,701, G>C. VCF-style: chr2-46375701-G-C. GRCh37 (hg19) VCF-style: chr2-46602840-G-C.
Other names: short protein forms G300R.
Identifiers: ClinVar variation 1765356 (VCV001765356.2), dbSNP rs2103662218, ClinGen allele CA346702607.